The following is an entry in ClinVar:

ClinVar aggregate classification (germline): Benign/Likely benign. Review status: criteria provided, multiple submitters, no conflicts (2 of 4 stars). 4 submissions from 3 submitters: Benign (3); Likely benign (1). Last evaluated 2026-01-02.

Conditions:
Aortic valve disease 1 (AOVD1). Identifiers: MedGen C3887892, MONDO:0024523, OMIM 109730.
Adams-Oliver syndrome 5 (AOS5). Identifiers: Orphanet 974, MedGen C4014970, MONDO:0014459, OMIM 616028.

Allele frequency attached by ClinVar (database versions not stated): gnomAD exomes 0.00004 and 0.00023; ESP Exome Variant Server 0.00008; gnomAD 0.00016 and 0.00019; ExAC 0.00019; TOPMed 0.00020; 1000 Genomes Project 0.00060; 1000 Genomes Project 30x 0.00125.
gnomAD v4.1: 95 of 1,612,358 alleles (0.0059%); highest among the groups gnomAD compares: East Asian, 0.13%; no homozygotes.

Submissions (4):

Labcorp Genetics (formerly Invitae), Labcorp
Classification: Benign for Adams-Oliver syndrome 5. Last evaluated: 2026-01-02. Review status: criteria provided, single submitter. Criteria: Invitae Variant Classification Sherloc (09022015). Collection method: clinical testing. Allele origin: germline.

Genome-Nilou Lab
Classification: Benign for Adams-Oliver syndrome 5. Last evaluated: 2022-03-15. Review status: criteria provided, single submitter. Criteria: ACMG Guidelines, 2015. Collection method: clinical testing. Allele origin: germline. Affected: no.

Genome-Nilou Lab
Classification: Benign for Aortic valve disease 1. Last evaluated: 2022-03-15. Review status: criteria provided, single submitter. Criteria: ACMG Guidelines, 2015. Collection method: clinical testing. Allele origin: germline. Affected: no.

GeneDx
Classification: Likely benign. Last evaluated: 2017-05-16. Review status: criteria provided, single submitter. Criteria: GeneDx Variant Classification (06012015). Collection method: clinical testing. Allele origin: germline. Affected: yes.
Comment: This variant is considered likely benign or benign based on one or more of the following criteria: it is a conservative change, it occurs at a poorly conserved position in the protein, it is predicted to be benign by multiple in silico algorithms, and/or has population frequency not consistent with disease.

NM_017617.5(NOTCH1):c.5385-18C>T

Gene: NOTCH1 (notch receptor 1; minus strand). Cytogenetic location: 9q34.3.
Variant type: single nucleotide variant.
Coding change: c.5385-18C>T on transcript NM_017617.5 (MANE Select); 18 bases into the intron before coding-DNA position 5385, C replaced by T.
Molecular consequence: intron variant.
Genome position (GRCh38, 1-based): chr9:136,502,106, G>A on the plus strand (C>T on the coding strand, the complement: NOTCH1 is on the minus strand). VCF-style: chr9-136502106-G-A. GRCh37 (hg19) VCF-style: chr9-139396558-G-A.
Other names: c.5385-18C>T (LRG_1122t1).
Identifiers: ClinVar variation 509541 (VCV000509541.10), dbSNP rs370602147, ClinGen allele CA5340297.